The following is an entry in ClinVar:

NM_006514.4(SCN10A):c.4921A>G (p.Met1641Val)

Gene: SCN10A (sodium voltage-gated channel alpha subunit 10; minus strand). Cytogenetic location: 3p22.2.
Variant type: single nucleotide variant.
Coding change: c.4921A>G on transcript NM_006514.4 (MANE Select); coding-DNA position 4921, A replaced by G.
Protein change: p.Met1641Val; replaces methionine 1641 with valine.
Molecular consequence: missense variant.
Genome position (GRCh38, 1-based): chr3:38,698,299, T>C on the plus strand (A>G on the coding strand, the complement: SCN10A is on the minus strand). VCF-style: chr3-38698299-T-C. GRCh37 (hg19) VCF-style: chr3-38739790-T-C.
Other names: c.4918A>G, p.Met1640Val (NM_001293306.2); c.4627A>G, p.Met1543Val (NM_001293307.2); short protein forms M1543V, M1641V, M1640V.
Identifiers: ClinVar variation 1744131 (VCV001744131.5), dbSNP rs945733867, ClinGen allele CA72947359.
Genomic context (GRCh38, chr3:38,698,299, plus strand): 5'-CCGACGTGGTAATCTGGAAGAGGCACAGCATGCTGTTGGCGAAGGTCTGGAAGTTGAACA[T>C]GTCGTCGATGCCAGCCTCCCACCTCACATGGGGAAAGCTGGACATACCGAAGATAGAGTA-3'
Protein context (NP_006505.4, residues 1631-1651): HVRWEAGIDD[Met1641Val]FNFQTFANSM

ClinVar aggregate classification (germline): Uncertain significance. Review status: criteria provided, multiple submitters, no conflicts (2 of 4 stars). 2 submissions from 2 submitters: Uncertain significance (2). Last evaluated 2025-07-23.

Conditions:
Cardiovascular phenotype. Identifiers: MedGen CN230736.
Brugada syndrome. Also called: Sudden Unexplained Death Syndrome; Sudden Unexplained Nocturnal Death Syndrome (SUNDS); Sudden unexplained nocturnal death syndrome; Sudden unexpected nocturnal death syndrome. Identifiers: Orphanet 130, MedGen C1142166, MONDO:0015263.

Allele frequency attached by ClinVar (database versions not stated): gnomAD exomes 0.00001; gnomAD 0.00002; TOPMed 0.00008.

Submissions (2):

Labcorp Genetics (formerly Invitae), Labcorp
Classification: Uncertain significance for Brugada syndrome. Last evaluated: 2025-07-23. Review status: criteria provided, single submitter. Criteria: Invitae Variant Classification Sherloc (09022015). Collection method: clinical testing. Allele origin: germline.
Comment: This sequence change replaces methionine, which is neutral and non-polar, with valine, which is neutral and non-polar, at codon 1641 of the SCN10A protein (p.Met1641Val). This variant is present in population databases (no rsID available, gnomAD no frequency). This variant has not been reported in the literature in individuals affected with SCN10A-related conditions. ClinVar contains an entry for this variant (Variation ID: 1744131). Invitae Evidence Modeling of protein sequence and biophysical properties (such as structural, functional, and spatial information, amino acid conservation, physicochemical variation, residue mobility, and thermodynamic stability) indicates that this missense variant is not expected to disrupt SCN10A protein function with a negative predictive value of 80%. In summary, the available evidence is currently insufficient to determine the role of this variant in disease. Therefore, it has been classified as a Variant of Uncertain Significance.

Ambry Genetics
Classification: Uncertain significance for Cardiovascular phenotype. Last evaluated: 2024-09-15. Review status: criteria provided, single submitter. Criteria: Ambry Variant Classification Scheme 2023. Collection method: clinical testing. Allele origin: germline.
Comment: The p.M1641V variant (also known as c.4921A>G), located in coding exon 27 of the SCN10A gene, results from an A to G substitution at nucleotide position 4921. The methionine at codon 1641 is replaced by valine, an amino acid with highly similar properties. This amino acid position is conserved. In addition, this alteration is predicted to be deleterious by in silico analysis. Since supporting evidence is limited at this time, the clinical significance of this alteration remains unclear.